The following is an entry in ClinVar:

ClinVar aggregate classification (germline): Uncertain significance (1 of 4 stars; one submission).

gnomAD v4.1: 1 of 1,206,712 alleles (0.000083%); highest among the groups gnomAD compares: Non-Finnish European, 0.00011%; no homozygotes.

Submission:

GeneDx
Classification: Uncertain significance. Last evaluated: 2017-06-29. Review status: criteria provided, single submitter. Criteria: GeneDx Variant Classification (06012015). Collection method: clinical testing. Allele origin: germline. Affected: yes.
Comment: The A707S variant in the HUWE1 gene has not been reported previously as a pathogenic variant, nor as a benign variant, to our knowledge. The A707S variant is not observed in large population cohorts (Lek et al., 2016; 1000 Genomes Consortium et al., 2015; Exome Variant Server). The A707S variant is a non-conservative amino acid substitution, which is likely to impact secondary protein structure as these residues differ in polarity, charge, size and/or other properties. This substitution occurs at a position that is conserved across species, however, in silico analysis is inconsistent in its predictions as to whether or not the variant is damaging to the protein structure/function. We interpret A707S as a variant of uncertain significance.

NM_031407.7(HUWE1):c.2119G>T (p.Ala707Ser)

Gene: HUWE1 (HECT, UBA and WWE domain containing E3 ubiquitin protein ligase 1; minus strand). Cytogenetic location: Xp11.22.
Variant type: single nucleotide variant.
Coding change: c.2119G>T on transcript NM_031407.7 (MANE Select); coding-DNA position 2119, G replaced by T.
Protein change: p.Ala707Ser; replaces alanine 707 with serine.
Molecular consequence: missense variant.
Genome position (GRCh38, 1-based): chrX:53,614,676, C>A on the plus strand (G>T on the coding strand, the complement: HUWE1 is on the minus strand). VCF-style: chrX-53614676-C-A. GRCh37 (hg19) VCF-style: chrX-53641637-C-A.
Other names: short protein forms A707S.
Identifiers: ClinVar variation 450163 (VCV000450163.2), dbSNP rs1447514697, ClinGen allele CA413145365.